The following is an entry in ClinVar:

ClinVar aggregate classification (germline): Pathogenic. Review status: reviewed by expert panel (3 of 4 stars). 4 submissions from 4 submitters: Pathogenic (1). 3 of the submissions do not count toward it. Last evaluated 2023-08-25.

Conditions:
CDH1-related diffuse gastric and lobular breast cancer syndrome. Also called: CDH1-related diffuse gastric and lobular breast cancer. Identifiers: MedGen CN311521, MONDO:0100488.
Hereditary cancer-predisposing syndrome. Also called: Hereditary neoplastic syndrome; Tumor predisposition; Neoplastic Syndromes, Hereditary; Hereditary Cancer Syndrome. Identifiers: Orphanet 140162, MedGen C0027672, MeSH D009386, MONDO:0015356.
Hereditary diffuse gastric adenocarcinoma (HDGC). Also called: DIFFUSE GASTRIC AND LOBULAR BREAST CANCER SYNDROME. Identifiers: Orphanet 26106, MedGen C1708349, MONDO:0007648, OMIM 137215.

Submissions (4):

Clingen Gastric Cancer Variant Curation Expert Panel
Classification: Pathogenic for CDH1-related diffuse gastric and lobular breast cancer syndrome. Last evaluated: 2023-08-25. Review status: reviewed by expert panel. Criteria: ClinGen CDH1 ACMG Specifications V3.1. Collection method: curation. Allele origin: germline. Inheritance: Autosomal dominant inheritance.
Comment: The c.1531C>T p.(Gln511*) variant is predicted to result in a premature stop codon that leads to a truncated or absent protein (PVS1, PM5_supporting). This variant is absent in the gnomAD cohort (PM2_supporting). The variant has been reported in at least two families meeting HDGC clinical criteria (PS4_moderate; PMID: 31600923 and SCV000580698.3). In summary, this variant meets criteria to be classified as pathogenic based on the ACMG/AMP criteria applied as specified by the CDH1 Variant Curation Expert Panel (Variant Interpretation Guidelines Version 3.1): PVS1, PM2_supporting, PS4_moderate, PM5_supporting.

Labcorp Genetics (formerly Invitae), Labcorp
Classification: Pathogenic for Hereditary diffuse gastric adenocarcinoma. Last evaluated: 2024-04-10. Review status: criteria provided, single submitter. Criteria: Invitae Variant Classification Sherloc (09022015). Collection method: clinical testing. Allele origin: germline. Not counted in ClinVar's aggregate classification.
Comment: This sequence change creates a premature translational stop signal (p.Gln511*) in the CDH1 gene. It is expected to result in an absent or disrupted protein product. Loss-of-function variants in CDH1 are known to be pathogenic (PMID: 15235021, 20373070). This variant is not present in population databases (gnomAD no frequency). This variant has not been reported in the literature in individuals affected with CDH1-related conditions. ClinVar contains an entry for this variant (Variation ID: 428621). For these reasons, this variant has been classified as Pathogenic.

Myriad Genetics, Inc.
Classification: Pathogenic for Hereditary diffuse gastric adenocarcinoma. Last evaluated: 2023-06-14. Review status: criteria provided, single submitter. Criteria: Myriad Autosomal Dominant, Autosomal Recessive and X-Linked Classification Criteria (2023). Collection method: clinical testing. Allele origin: unknown. Not counted in ClinVar's aggregate classification.
Comment: This variant is considered pathogenic. This variant creates a termination codon and is predicted to result in premature protein truncation.

Ambry Genetics
Classification: Pathogenic for Hereditary cancer-predisposing syndrome. Last evaluated: 2013-07-09. Review status: criteria provided, single submitter. Criteria: Ambry Autosomal Dominant and X-Linked criteria (10/2015). Collection method: clinical testing. Allele origin: germline. Observed: 1 variant allele. Not counted in ClinVar's aggregate classification.
Comment: Ã¢â‚¬â€¹The p.Q511X pathogenic mutation (also known as c.1531C>T), located in exon 10 of the CDH1 gene, results from a C to T substitution at nucleotide position 1531. This changes the amino acid from a glutamine to a stop codon within exon 10. Since premature stop codons are typically deleterious in nature, this alteration is interpreted as a disease-causing mutation (ACMG Recommendations for Standards for Interpretation and Reporting of Sequence Variations. Revision 2007. Genet Med. 2008;10:294).

Literature cited by the submitters: PubMed 15235021 (cited by Labcorp Genetics (formerly Invitae), Labcorp); PubMed 20373070 (cited by Labcorp Genetics (formerly Invitae), Labcorp).

NM_004360.5(CDH1):c.1531C>T (p.Gln511Ter)

Gene: CDH1 (cadherin 1; plus strand). Cytogenetic location: 16q22.1.
Variant type: single nucleotide variant.
Coding change: c.1531C>T on transcript NM_004360.5 (MANE Select); coding-DNA position 1531, C replaced by T.
Protein change: p.Gln511Ter; replaces glutamine 511 with a stop codon.
Molecular consequence: nonsense. On other transcripts: 5 prime UTR variant (2).
Genome position (GRCh38, 1-based): chr16:68,815,725, C>T. VCF-style: chr16-68815725-C-T. GRCh37 (hg19) VCF-style: chr16-68849628-C-T.
Other names: c.1531C>T (LRG_301t1); c.1348C>T, p.Gln450Ter (NM_001317184.2); c.-18C>T (NM_001317185.2); c.-289C>T (NM_001317186.2); short protein forms Q511*, Q450*.
Identifiers: ClinVar variation 428621 (VCV000428621.17), dbSNP rs1131690810, ClinGen allele CA396463469.
Genomic context (GRCh38, chr16:68,815,725, plus strand): 5'-AAGAGAGTGGAAGTGTCCGAGGACTTTGGCGTGGGCCAGGAAATCACATCCTACACTGCC[C>T]AGGAGCCAGACACATTTATGGAACAGAAAATAACGTAAGTGTGAGGATTTTTCAACTGAC-3'